The following is an entry in ClinVar:

NM_004006.3(DMD):c.7618_7619del (p.Lys2540fs)

Gene: DMD (dystrophin; minus strand). Cytogenetic location: Xp21.1.
Variant type: Deletion.
Coding change: c.7618_7619del on transcript NM_004006.3 (MANE Select); coding-DNA positions 7618 to 7619, 2 bases deleted (AA; older notation c.7618_7619delAA).
Protein change: p.Lys2540fs; shifts the reading frame from lysine 2540.
Molecular consequence: frameshift variant.
Genome position (GRCh38, 1-based): chrX:31,729,672-31,729,673, TT deleted on the plus strand (AA on the coding strand, the reverse complement: DMD is on the minus strand). VCF-style (leftmost placement, unchanged base first): chrX-31729671-CTT-C. GRCh37 (hg19) VCF-style: chrX-31747788-CTT-C.
Other names: c.7594_7595del, p.Lys2532fs (NM_000109.4); c.7606_7607del, p.Lys2536fs (NM_004009.3); c.7249_7250del, p.Lys2417fs (NM_004010.3); c.3595_3596del, p.Lys1199fs (NM_004011.4); c.3586_3587del, p.Lys1196fs (NM_004012.4); c.238_239del, p.Lys80fs (NM_004013.3, NM_004020.4, NM_004021.3 and 2 more transcripts); short protein forms K1196fs, K1199fs, K2417fs, K2532fs, K2536fs, K2540fs, K80fs.
Identifiers: ClinVar variation 984442 (VCV000984442.3), dbSNP rs2086354048, ClinGen allele CA1139667366.

ClinVar aggregate classification (germline): Pathogenic (1 of 4 stars; one submission).

Conditions:
Duchenne muscular dystrophy (DMD). Also called: MUSCULAR DYSTROPHY, PSEUDOHYPERTROPHIC PROGRESSIVE, DUCHENNE TYPE; Duchenne Muscular Dystrophy (DMD). Identifiers: Orphanet 98896, MedGen C0013264, MONDO:0010679, OMIM 310200.

Submission:

Centro de Genética y Biología Molecular, Universidad de San Martín de Porres
Classification: Pathogenic for Duchenne muscular dystrophy. Review status: criteria provided, single submitter. Criteria: ACMG Guidelines, 2015. Collection method: clinical testing. Allele origin: germline. Inheritance: X-linked inheritance. Affected: yes. Observed: 1 compound heterozygote.
Comment: The c.7618_7619del variant has been reported in Leiden Open (source) Variation Database (LOVD) version 3.0 to be classified as pathogenic evidence.